The following is an entry in ClinVar:

NM_015909.4(NBAS):c.4378G>A (p.Gly1460Arg)

Gene: NBAS (NBAS subunit of NRZ tethering complex; minus strand). Cytogenetic location: 2p24.3.
Variant type: single nucleotide variant.
Coding change: c.4378G>A on transcript NM_015909.4 (MANE Select); coding-DNA position 4378, G replaced by A.
Protein change: p.Gly1460Arg; replaces glycine 1460 with arginine.
Molecular consequence: missense variant. On other transcripts: non-coding transcript variant (1).
Genome position (GRCh38, 1-based): chr2:15,328,282, C>T on the plus strand (G>A on the coding strand, the complement: NBAS is on the minus strand). VCF-style: chr2-15328282-C-T. GRCh37 (hg19) VCF-style: chr2-15468406-C-T.
Other names: short protein forms G1460R.
Identifiers: ClinVar variation 2078768 (VCV002078768.4), dbSNP rs779505591, ClinGen allele CA1535666.

ClinVar aggregate classification (germline): Uncertain significance (1 of 4 stars; one submission).

Allele frequency attached by ClinVar (database versions not stated): gnomAD exomes 0.00001; gnomAD 0.00002; ExAC 0.00001.
gnomAD v4.1: 16 of 1,613,542 alleles (0.00099%); highest among the groups gnomAD compares: Admixed American, 0.01%; no homozygotes.

Submission:

Labcorp Genetics (formerly Invitae), Labcorp
Classification: Uncertain significance. Last evaluated: 2022-07-30. Review status: criteria provided, single submitter. Criteria: Invitae Variant Classification Sherloc (09022015). Collection method: clinical testing. Allele origin: germline.
Comment: In summary, the available evidence is currently insufficient to determine the role of this variant in disease. Therefore, it has been classified as a Variant of Uncertain Significance. Algorithms developed to predict the effect of missense changes on protein structure and function output the following: SIFT: "Deleterious"; PolyPhen-2: "Benign"; Align-GVGD: "Class C65". The arginine amino acid residue is found in multiple mammalian species, which suggests that this missense change does not adversely affect protein function. This variant has not been reported in the literature in individuals affected with NBAS-related conditions. This variant is present in population databases (rs779505591, gnomAD 0.006%). This sequence change replaces glycine, which is neutral and non-polar, with arginine, which is basic and polar, at codon 1460 of the NBAS protein (p.Gly1460Arg).